The following is an entry in ClinVar:

NM_015656.2(KIF26A):c.4163C>T (p.Ala1388Val)

Gene: KIF26A (kinesin family member 26A; plus strand). Cytogenetic location: 14q32.33.
Variant type: single nucleotide variant.
Coding change: c.4163C>T on transcript NM_015656.2 (MANE Select); coding-DNA position 4163, C replaced by T.
Protein change: p.Ala1388Val; replaces alanine 1388 with valine.
Molecular consequence: missense variant.
Genome position (GRCh38, 1-based): chr14:104,176,951, C>T. VCF-style: chr14-104176951-C-T. GRCh37 (hg19) VCF-style: chr14-104643288-C-T.
Other names: short protein forms A1388V.
Identifiers: ClinVar variation 2412303 (VCV002412303.3), dbSNP rs771085096, ClinGen allele CA7371198.
Genomic context (GRCh38, chr14:104,176,951, plus strand): 5'-AGTCCAGCCTGGAGCAGAGGAGCAGCCCGGCCTCGGCCCCTCCGCATGCTGTGAACCCGG[C>T]GCGGGTCGGGGCTGCTGCTGTCCTTCGAGGGGAGGAGGAGCCCAGACCCAGCAGCCGGGC-3'
Protein context (NP_056471.1, residues 1378-1398): ASAPPHAVNP[Ala1388Val]RVGAAAVLRG

ClinVar aggregate classification (germline): Uncertain significance. Review status: criteria provided, multiple submitters, no conflicts (2 of 4 stars). 2 submissions from 2 submitters: Uncertain significance (2). Last evaluated 2025-06-23.

Conditions:
KIF26A-related condition.

Allele frequency attached by ClinVar (database versions not stated): gnomAD exomes 0.00003; TOPMed 0.00003; gnomAD 0.00004.

Submissions (2):

PreventionGenetics, part of Exact Sciences
Classification: Uncertain significance for KIF26A-related condition. Last evaluated: 2025-06-23. Review status: criteria provided, single submitter. Criteria: ACMG Guidelines, 2015. Collection method: clinical testing. Allele origin: germline.
Comment: The KIF26A c.4163C>T variant is predicted to result in the amino acid substitution p.Ala1388Val. To our knowledge, this variant has not been reported in the literature. This variant is reported in 0.012% of alleles in individuals of Latino descent in gnomAD. At this time, the clinical significance of this variant is uncertain due to the absence of conclusive functional and genetic evidence.

Ambry Genetics
Classification: Uncertain significance. Last evaluated: 2022-12-05. Review status: criteria provided, single submitter. Criteria: Ambry Variant Classification Scheme 2023. Collection method: clinical testing. Allele origin: germline.